The following is an entry in ClinVar:

NM_012243.3(SLC35A3):c.753+9T>G

Gene: SLC35A3 (solute carrier family 35 member A3; plus strand). Cytogenetic location: 1p21.2.
Variant type: single nucleotide variant.
Coding change: c.753+9T>G on transcript NM_012243.3 (MANE Select); 9 bases into the intron after coding-DNA position 753, T replaced by G.
Molecular consequence: intron variant.
Genome position (GRCh38, 1-based): chr1:100,015,429, T>G. VCF-style: chr1-100015429-T-G. GRCh37 (hg19) VCF-style: chr1-100480985-T-G.
Other names: c.634+3896T>G (NM_001271684.2); c.879+9T>G (NM_001271685.2).
Identifiers: ClinVar variation 541618 (VCV000541618.13), dbSNP rs200265486, ClinGen allele CA967658.

ClinVar aggregate classification (germline): Likely benign. Review status: criteria provided, single submitter (1 of 4 stars). 2 submissions from 2 submitters: Likely benign (1). 1 of the submissions does not count toward it. Last evaluated 2026-01-25.

Conditions:
SLC35A3-related disorder. Also called: SLC35A3-related condition.
Autism spectrum disorder - epilepsy - arthrogryposis syndrome (AMRS). Identifiers: Orphanet 370943, MedGen C3809910, MONDO:0014248, OMIM 615553.

Allele frequency attached by ClinVar (database versions not stated): gnomAD exomes 0.00002 and 0.00007; ExAC 0.00010; gnomAD 0.00027; TOPMed 0.00029; 1000 Genomes Project 30x 0.00031; ESP Exome Variant Server 0.00038; 1000 Genomes Project 0.00040.

Submissions (2):

Labcorp Genetics (formerly Invitae), Labcorp
Classification: Likely benign for Autism spectrum disorder - epilepsy - arthrogryposis syndrome. Last evaluated: 2026-01-25. Review status: criteria provided, single submitter. Criteria: Invitae Variant Classification Sherloc (09022015). Collection method: clinical testing. Allele origin: germline.

PreventionGenetics, part of Exact Sciences
Classification: Likely benign for SLC35A3-related condition. Last evaluated: 2019-03-05. Review status: no assertion criteria provided. Collection method: clinical testing. Allele origin: germline. Not counted in ClinVar's aggregate classification.
Comment: This variant is classified as likely benign based on ACMG/AMP sequence variant interpretation guidelines (Richards et al. 2015 PMID: 25741868, with internal and published modifications).